The following is an entry in ClinVar:

ClinVar aggregate classification (germline): Uncertain significance (1 of 4 stars; one submission).

Conditions:
Familial visceral amyloidosis, Ostertag type (AMYLD2). Also called: Hereditary Renal Amyloidosis; Ostertag type amyloidosis; Amyloidosis, hepatic and systemic; AMYLOIDOSIS, HEREDITARY SYSTEMIC 2; AMYLOIDOSIS VIII; Familial visceral amyloidosis. Identifiers: Orphanet 85450, MedGen C0268389, MONDO:0007099, OMIM 105200.

Submission:

Molecular Medicine Center, Medical University of Sofia
Classification: Uncertain significance for Familial visceral amyloidosis, Ostertag type. Last evaluated: 2020-07-23. Review status: criteria provided, single submitter. Criteria: ACMG Guidelines, 2015. Collection method: research. Allele origin: paternal. Affected: yes. Observed: 1 heterozygote.

NM_021871.4(FGA):c.215G>A (p.Gly72Glu)

Gene: FGA (fibrinogen alpha chain; minus strand). Cytogenetic location: 4q31.3.
Variant type: single nucleotide variant.
Coding change: c.215G>A on transcript NM_021871.4 (MANE Select); coding-DNA position 215, G replaced by A.
Protein change: p.Gly72Glu; replaces glycine 72 with glutamic acid.
Molecular consequence: missense variant.
Genome position (GRCh38, 1-based): chr4:154,588,942, C>T on the plus strand (G>A on the coding strand, the complement: FGA is on the minus strand). VCF-style: chr4-154588942-C-T. GRCh37 (hg19) VCF-style: chr4-155510094-C-T.
Other names: c.215G>A, p.Gly72Glu (NM_000508.5); short protein forms G72E.
Identifiers: ClinVar variation 974708 (VCV000974708.3), dbSNP rs1730803914, ClinGen allele CA358533376.
Genomic context (GRCh38, chr4:154,588,942, plus strand): 5'-AGTGAATTTTTGAGCTTATTTATTCTGTTTGTAAAATCTTGATTGACTTCATCAATCAAC[C>T]CTTTCATCCTGCAGCCAGAAGGGCATTTGTAGTTCTGAAAGTGAAGGGAGAAAATTACAG-3'
Protein context (NP_068657.1, residues 62-82): YKCPSGCRMK[Gly72Glu]LIDEVNQDFT